The following is an entry in ClinVar:

ClinVar aggregate classification (germline): Uncertain significance (1 of 4 stars; one submission).

Submission:

GeneDx
Classification: Uncertain significance. Last evaluated: 2025-06-24. Review status: criteria provided, single submitter. Criteria: GeneDx Variant Classification Process June 2021. Collection method: clinical testing. Allele origin: germline. Affected: yes.
Comment: Not observed at significant frequency in large population cohorts (gnomAD); In silico analysis supports that this missense variant has a deleterious effect on protein structure/function; Has not been previously published as pathogenic or benign to our knowledge

NM_001145358.2(SIN3A):c.457G>C (p.Glu153Gln)

Gene: SIN3A (SIN3 transcription regulator family member A; minus strand). Cytogenetic location: 15q24.2.
Variant type: single nucleotide variant.
Coding change: c.457G>C on transcript NM_001145358.2 (MANE Select); coding-DNA position 457, G replaced by C.
Protein change: p.Glu153Gln; replaces glutamic acid 153 with glutamine.
Molecular consequence: missense variant.
Genome position (GRCh38, 1-based): chr15:75,414,221, C>G on the plus strand (G>C on the coding strand, the complement: SIN3A is on the minus strand). VCF-style: chr15-75414221-C-G. GRCh37 (hg19) VCF-style: chr15-75706562-C-G.
Other names: c.457G>C, p.Glu153Gln (NM_001145357.2, NM_001437462.1, NM_001437463.1 and 1 more transcripts); short protein forms E153Q.
Identifiers: ClinVar variation 4540383 (VCV004540383.1).